The following is an entry in ClinVar:

NM_003072.5(SMARCA4):c.1343G>A (p.Arg448His)

Gene: SMARCA4 (SWI/SNF related BAF chromatin remodeling complex subunit ATPase 4; plus strand). Cytogenetic location: 19p13.2.
Variant type: single nucleotide variant.
Coding change: c.1343G>A on transcript NM_003072.5 (MANE Select); coding-DNA position 1343, G replaced by A.
Protein change: p.Arg448His; replaces arginine 448 with histidine.
Molecular consequence: missense variant. On other transcripts: non-coding transcript variant (1).
Genome position (GRCh38, 1-based): chr19:10,991,247, G>A. VCF-style: chr19-10991247-G-A. GRCh37 (hg19) VCF-style: chr19-11101923-G-A.
Other names: c.1343G>A, p.Arg448His (NM_001128844.3, NM_001128845.2, NM_001128846.2 and 5 more transcripts); short protein forms R448H.
Identifiers: ClinVar variation 408610 (VCV000408610.9), dbSNP rs1060502063, ClinGen allele CA16615915.

ClinVar aggregate classification (germline): Uncertain significance. Review status: criteria provided, multiple submitters, no conflicts (2 of 4 stars). 2 submissions from 2 submitters: Uncertain significance (2). Last evaluated 2026-05-21.

Conditions:
Hereditary cancer-predisposing syndrome. Also called: Hereditary Cancer Syndrome; Tumor predisposition; Hereditary neoplastic syndrome; Neoplastic Syndromes, Hereditary. Identifiers: Orphanet 140162, MedGen C0027672, MeSH D009386, MONDO:0015356.
Rhabdoid tumor predisposition syndrome 2 (RTPS2). Identifiers: Orphanet 231108, Orphanet 69077, MedGen C2750074, MONDO:0013224, OMIM 613325.

Allele frequency attached by ClinVar (database versions not stated): gnomAD exomes below 0.00001.
gnomAD v4.1: 1 of 1,612,920 alleles (0.000062%); highest among the groups gnomAD compares: Non-Finnish European, 0.000085%; no homozygotes.

Submissions (2):

Ambry Genetics
Classification: Uncertain significance for Hereditary cancer-predisposing syndrome. Last evaluated: 2026-05-21. Review status: criteria provided, single submitter. Criteria: Ambry Variant Classification Scheme 2023. Collection method: clinical testing. Allele origin: germline.
Comment: The p.R448H variant (also known as c.1343G>A), located in coding exon 7 of the SMARCA4 gene, results from a G to A substitution at nucleotide position 1343. The arginine at codon 448 is replaced by histidine, an amino acid with highly similar properties. This amino acid position is highly conserved in available vertebrate species. In addition, the in silico prediction for this alteration is inconclusive. Based on the available evidence, the clinical significance of this variant remains unclear.

Labcorp Genetics (formerly Invitae), Labcorp
Classification: Uncertain significance for Rhabdoid tumor predisposition syndrome 2. Last evaluated: 2024-04-06. Review status: criteria provided, single submitter. Criteria: Invitae Variant Classification Sherloc (09022015). Collection method: clinical testing. Allele origin: germline.
Comment: This sequence change replaces arginine, which is basic and polar, with histidine, which is basic and polar, at codon 448 of the SMARCA4 protein (p.Arg448His). This variant is not present in population databases (gnomAD no frequency). This variant has not been reported in the literature in individuals affected with SMARCA4-related conditions. ClinVar contains an entry for this variant (Variation ID: 408610). Advanced modeling of protein sequence and biophysical properties (such as structural, functional, and spatial information, amino acid conservation, physicochemical variation, residue mobility, and thermodynamic stability) has been performed at Invitae for this missense variant, however the output from this modeling did not meet the statistical confidence thresholds required to predict the impact of this variant on SMARCA4 protein function. In summary, the available evidence is currently insufficient to determine the role of this variant in disease. Therefore, it has been classified as a Variant of Uncertain Significance.